The following is an entry in ClinVar:

NM_003014.4(SFRP4):c.617del (p.Val206fs)

Gene: SFRP4 (secreted frizzled related protein 4; minus strand). Cytogenetic location: 7p14.1.
Variant type: Deletion.
Coding change: c.617del on transcript NM_003014.4 (MANE Select); coding-DNA position 617, one base deleted (T; older notation c.617delT).
Protein change: p.Val206fs; shifts the reading frame from valine 206.
Molecular consequence: frameshift variant.
Genome position (GRCh38, 1-based): chr7:37,912,293, A deleted on the plus strand (T on the coding strand, the reverse complement: SFRP4 is on the minus strand). VCF-style (leftmost placement, unchanged base first): chr7-37912292-CA-C. GRCh37 (hg19) VCF-style: chr7-37951894-CA-C.
Other names: short protein forms V206fs.
Identifiers: ClinVar variation 1424941 (VCV001424941.6), dbSNP rs1785505791, ClinGen allele CA1700795705.
Genomic context (GRCh38, chr7:37,912,292, plus strand): 5'-GGACTTGAAGATCTCTTTTACATCCACCACCGTTGTGACCTCATTGCAGCCACTCCTCTG[CA>C]CAGCTTTTATTTTGGCATGAATAACTGCAATTTAAAAATAGATAAAAGTGTTGTTGAAGG-3'

ClinVar aggregate classification (germline): Pathogenic (1 of 4 stars; one submission).

Allele frequency attached by ClinVar (database versions not stated): TOPMed below 0.00001.

Submission:

Labcorp Genetics (formerly Invitae), Labcorp
Classification: Pathogenic. Last evaluated: 2021-02-28. Review status: criteria provided, single submitter. Criteria: Invitae Variant Classification Sherloc (09022015). Collection method: clinical testing. Allele origin: germline.
Comment: This variant is not present in population databases (ExAC no frequency). For these reasons, this variant has been classified as Pathogenic. This variant has not been reported in the literature in individuals with SFRP4-related conditions. This sequence change creates a premature translational stop signal (p.Val206Glyfs*15) in the SFRP4 gene. It is expected to result in an absent or disrupted protein product. Loss-of-function variants in SFRP4 are known to be pathogenic (PMID: 27355534).

Literature cited by the submitters: PubMed 27355534.